The following is an entry in ClinVar:

ClinVar aggregate classification (germline): Likely pathogenic (1 of 4 stars; one submission).

Conditions:
LAMA2-related muscular dystrophy (LAMA2-RD). Also called: Laminin alpha 2-related dystrophy. Identifiers: MedGen C5679788, MONDO:0100228.

Submission:

Myriad Genetics, Inc.
Classification: Likely pathogenic for LAMA2-related muscular dystrophy. Last evaluated: 2022-04-07. Review status: criteria provided, single submitter. Criteria: Myriad Autosomal Dominant, Autosomal Recessive and X-Linked Classification Criteria (2023). Collection method: clinical testing. Allele origin: unknown.
Comment: NM_000426.3(LAMA2):c.7675G>T(E2559*) is expected to be pathogenic in the context of muscular dystrophy, LAMA2-related. This variant is predicted to lead to an abnormal or absent protein product due to the creation of a premature termination codon in LAMA2, a gene where loss-of-function variants are known to be pathogenic. Please note: this variant was assessed in the context of healthy population screening.

NM_000426.4(LAMA2):c.7675G>T (p.Glu2559Ter)

Gene: LAMA2 (laminin subunit alpha 2; plus strand). Cytogenetic location: 6q22.33.
Variant type: single nucleotide variant.
Coding change: c.7675G>T on transcript NM_000426.4 (MANE Select); coding-DNA position 7675, G replaced by T.
Protein change: p.Glu2559Ter; replaces glutamic acid 2559 with a stop codon.
Molecular consequence: nonsense.
Genome position (GRCh38, 1-based): chr6:129,481,365, G>T. VCF-style: chr6-129481365-G-T. GRCh37 (hg19) VCF-style: chr6-129802510-G-T.
Other names: c.7663G>T, p.Glu2555Ter (NM_001079823.2); short protein forms E2555*, E2559*.
Identifiers: ClinVar variation 1725896 (VCV001725896.3), dbSNP rs765714277, ClinGen allele CA365628163.